The following is an entry in ClinVar:

ClinVar aggregate classification (germline): Conflicting classifications of pathogenicity. Review status: criteria provided, conflicting classifications (1 of 4 stars). 2 submissions from 2 submitters: Uncertain significance (1); Likely benign (1). Last evaluated 2024-11-27.

Allele frequency attached by ClinVar (database versions not stated): gnomAD exomes below 0.00001; ExAC 0.00001; gnomAD 0.00001; TOPMed 0.00002.
gnomAD v4.1: 2 of 1,614,036 alleles (0.00012%); highest among the groups gnomAD compares: African/African-American, 0.0027%; no homozygotes.

Submissions (2):

Labcorp Genetics (formerly Invitae), Labcorp
Classification: Likely benign. Last evaluated: 2024-11-27. Review status: criteria provided, single submitter. Criteria: Invitae Variant Classification Sherloc (09022015). Collection method: clinical testing. Allele origin: germline.

ARUP Laboratories, Molecular Genetics and Genomics, ARUP Laboratories
Classification: Uncertain significance. Last evaluated: 2018-03-25. Review status: criteria provided, single submitter. Criteria: ARUP Molecular Germline Variant Investigation Process. Collection method: clinical testing. Allele origin: germline.
Comment: The FLNB c.2968C>T; p.Pro990Ser variant (rs747564760), to our knowledge, is not reported in the medical literature, gene specific variation databases, nor has it been previously identified by our laboratory. This variant is listed in the genome Aggregation Database (gnomAD) with an overall population frequency of 0.001% (identified on 3 out of 277,204 chromosomes). The proline at position 990 is highly conserved, considering 11 species, and computational analyses of the effects of the p.Pro990Ser variant on protein structure and function predict a deleterious effect (SIFT: damaging, PolyPhen-2: possibly damaging). Based on the available information, the clinical significance of the p.Pro990Ser variant cannot be determined with certainty.

NM_001457.4(FLNB):c.2968C>T (p.Pro990Ser)

Gene: FLNB (filamin B; plus strand). Cytogenetic location: 3p14.3.
Variant type: single nucleotide variant.
Coding change: c.2968C>T on transcript NM_001457.4 (MANE Select); coding-DNA position 2968, C replaced by T.
Protein change: p.Pro990Ser; replaces proline 990 with serine.
Molecular consequence: missense variant.
Genome position (GRCh38, 1-based): chr3:58,121,345, C>T. VCF-style: chr3-58121345-C-T. GRCh37 (hg19) VCF-style: chr3-58107072-C-T.
Other names: c.2968C>T, p.Pro990Ser (NM_001164317.2, NM_001164318.2, NM_001164319.2); short protein forms P990S.
Identifiers: ClinVar variation 618658 (VCV000618658.11), dbSNP rs747564760, ClinGen allele CA2468293.